The following is an entry in ClinVar:

NM_000384.3(APOB):c.728A>G (p.Gln243Arg)

Gene: APOB (apolipoprotein B; minus strand). Cytogenetic location: 2p24.1.
Variant type: single nucleotide variant.
Coding change: c.728A>G on transcript NM_000384.3 (MANE Select); coding-DNA position 728, A replaced by G.
Protein change: p.Gln243Arg; replaces glutamine 243 with arginine.
Molecular consequence: missense variant.
Genome position (GRCh38, 1-based): chr2:21,035,674, T>C on the plus strand (A>G on the coding strand, the complement: APOB is on the minus strand). VCF-style: chr2-21035674-T-C. GRCh37 (hg19) VCF-style: chr2-21258546-T-C.
Other names: short protein forms Q243R.
Identifiers: ClinVar variation 5026971 (VCV005026971.1).

ClinVar aggregate classification (germline): Uncertain significance (1 of 4 stars; one submission).

Conditions:
Cardiovascular phenotype. Identifiers: MedGen CN230736.

Submission:

Ambry Genetics
Classification: Uncertain significance for Cardiovascular phenotype. Last evaluated: 2026-07-01. Review status: criteria provided, single submitter. Criteria: Ambry Variant Classification Scheme 2023. Collection method: clinical testing. Allele origin: germline.
Comment: The p.Q243R variant (also known as c.728A>G), located in coding exon 7 of the APOB gene, results from an A to G substitution at nucleotide position 728. The glutamine at codon 243 is replaced by arginine, an amino acid with highly similar properties. This amino acid position is conserved. In addition, this alteration is predicted to be deleterious by in silico analysis. Based on the available evidence, the clinical significance of this variant remains unclear.